The following is an entry in ClinVar:

NM_001267550.2(TTN):c.102992A>G (p.Tyr34331Cys)

Genes: TTN (titin; minus strand), TTN-AS1 (TTN antisense RNA 1; plus strand). Cytogenetic location: 2q31.2.
Variant type: single nucleotide variant.
Coding change: c.102992A>G on transcript NM_001267550.2 (MANE Select); coding-DNA position 102992, A replaced by G.
Protein change: p.Tyr34331Cys; replaces tyrosine 34331 with cysteine.
Molecular consequence: missense variant.
Genome position (GRCh38, 1-based): chr2:178,533,623, T>C on the plus strand (A>G on the coding strand, the complement: TTN is on the minus strand). VCF-style: chr2-178533623-T-C. GRCh37 (hg19) VCF-style: chr2-179398350-T-C.
Other names: c.102992A>G (NM_001267550.1); c.98069A>G, p.Tyr32690Cys (NM_001256850.1); c.75797A>G, p.Tyr25266Cys (NM_003319.4); c.95288A>G, p.Tyr31763Cys (NM_133378.4); c.76172A>G, p.Tyr25391Cys (NM_133432.3); c.76373A>G, p.Tyr25458Cys (NM_133437.4); short protein forms Y34331C, Y25391C, Y25458C, Y31763C, Y25266C, Y32690C.
Identifiers: ClinVar variation 466708 (VCV000466708.5), dbSNP rs765213170, ClinGen allele CA1985670.

ClinVar aggregate classification (germline): Uncertain significance. Review status: criteria provided, multiple submitters, no conflicts (2 of 4 stars). 3 submissions from 3 submitters: Uncertain significance (3). Last evaluated 2024-09-09.

Conditions:
Autosomal recessive limb-girdle muscular dystrophy type 2J (LGMDR10). Also called: Limb-girdle muscular dystrophy, type 2J; MUSCULAR DYSTROPHY, LIMB-GIRDLE, AUTOSOMAL RECESSIVE 10. Identifiers: Orphanet 140922, MedGen C1837342, MONDO:0012127, OMIM 608807.
Dilated cardiomyopathy 1G (CMD1G). Identifiers: Orphanet 154, MedGen C1858763, MONDO:0011400, OMIM 604145.
Myopathy, myofibrillar, 9, with early respiratory failure (MFM9). Also called: EDSTROM MYOPATHY; MYOPATHY, PROXIMAL, WITH EARLY RESPIRATORY MUSCLE INVOLVEMENT; Hereditary myopathy with early respiratory failure; Myopathy, distal, with early respiratory failure, autosomal dominant. Identifiers: Orphanet 178464, Orphanet 34521, MedGen C1863599, MONDO:0011362, OMIM 603689.
Hypertrophic cardiomyopathy 9. Also called: Familial hypertrophic cardiomyopathy 9. Identifiers: MedGen C1861065, MONDO:0013412, OMIM 613765.
Early-onset myopathy with fatal cardiomyopathy (CMYO5). Also called: Salih Myopathy; CONGENITAL MYOPATHY 5 WITH CARDIOMYOPATHY. Identifiers: Orphanet 289377, MedGen C2673677, MONDO:0012714, OMIM 611705. Disease mechanism: loss of function.
Tibial muscular dystrophy (TMD). Also called: UDD MYOPATHY; Tibial muscular dystrophy, tardive; Udd Distal Myopathy – Tibial Muscular Dystrophy. Identifiers: Orphanet 609, MedGen C1838244, MONDO:0010870, OMIM 600334.

Allele frequency attached by ClinVar (database versions not stated): ExAC 0.00001; gnomAD exomes 0.00001; TOPMed 0.00002.
gnomAD v4.1: 18 of 1,613,898 alleles (0.0011%); highest among the groups gnomAD compares: Non-Finnish European, 0.0014%; no homozygotes.

Submissions (3):

GeneDx
Classification: Uncertain significance. Last evaluated: 2024-09-09. Review status: criteria provided, single submitter. Criteria: GeneDx Variant Classification Process June 2021. Collection method: clinical testing. Allele origin: germline. Affected: yes.
Comment: Not observed at significant frequency in large population cohorts (gnomAD); Missense variant in a gene in which most reported pathogenic variants are truncating/loss of function; Has not been previously published as pathogenic or benign to our knowledge; Located in the M-line region of TTN in which the majority of loss of function variants have been associated with autosomal recessive titinopathies (PMID: 17444505)

Fulgent Genetics
Classification: Uncertain significance for Tibial muscular dystrophy; Myopathy, myofibrillar, 9, with early respiratory failure; Dilated cardiomyopathy 1G; Autosomal recessive limb-girdle muscular dystrophy type 2J; Early-onset myopathy with fatal cardiomyopathy; Hypertrophic cardiomyopathy 9. Last evaluated: 2021-09-02. Review status: criteria provided, single submitter. Criteria: ACMG Guidelines, 2015. Collection method: clinical testing. Allele origin: unknown.

Labcorp Genetics (formerly Invitae), Labcorp
Classification: Uncertain significance for Dilated cardiomyopathy 1G; Autosomal recessive limb-girdle muscular dystrophy type 2J. Last evaluated: 2017-03-10. Review status: criteria provided, single submitter. Criteria: Invitae Variant Classification Sherloc (09022015). Collection method: clinical testing. Allele origin: germline.